The following is an entry in ClinVar:

NM_004615.4(TSPAN7):c.669C>T (p.Ile223=)

Gene: TSPAN7 (tetraspanin 7; plus strand). Cytogenetic location: Xp11.4.
Variant type: single nucleotide variant.
Coding change: c.669C>T on transcript NM_004615.4 (MANE Select); coding-DNA position 669, C replaced by T.
Protein change: p.Ile223=; no amino-acid change (isoleucine 223 retained).
Molecular consequence: synonymous variant.
Genome position (GRCh38, 1-based): chrX:38,681,275, C>T. VCF-style: chrX-38681275-C-T. GRCh37 (hg19) VCF-style: chrX-38540529-C-T.
Identifiers: ClinVar variation 2660300 (VCV002660300.24), dbSNP rs549076766, ClinGen allele CA328161917.

ClinVar aggregate classification (germline): Likely benign (1 of 4 stars; one submission).

gnomAD v4.1: 8 of 1,204,913 alleles (0.00066%); highest among the groups gnomAD compares: African/African-American, 0.007%; no homozygotes.

Submission:

CeGaT Center for Human Genetics Tuebingen
Classification: Likely benign. Last evaluated: 2023-10-01. Review status: criteria provided, single submitter. Criteria: CeGaT Center For Human Genetics Tuebingen Variant Classification Criteria Version 2. Collection method: clinical testing. Allele origin: germline. Affected: yes. Observed: 1 variant allele.
Comment: TSPAN7: BP4, BP7